The following is an entry in ClinVar:

NM_012073.5(CCT5):c.1519A>G (p.Ile507Val)

Gene: CCT5 (chaperonin containing TCP1 subunit 5; plus strand). Cytogenetic location: 5p15.2.
Variant type: single nucleotide variant.
Coding change: c.1519A>G on transcript NM_012073.5 (MANE Select); coding-DNA position 1519, A replaced by G.
Protein change: p.Ile507Val; replaces isoleucine 507 with valine.
Molecular consequence: missense variant.
Genome position (GRCh38, 1-based): chr5:10,264,676, A>G. VCF-style: chr5-10264676-A-G. GRCh37 (hg19) VCF-style: chr5-10264788-A-G.
Other names: c.1456A>G, p.Ile486Val (NM_001306153.1); c.1354A>G, p.Ile452Val (NM_001306154.2); c.1240A>G, p.Ile414Val (NM_001306155.2); c.1405A>G, p.Ile469Val (NM_001306156.2); short protein forms I469V, I414V, I486V, I452V, I507V.
Identifiers: ClinVar variation 906107 (VCV000906107.13), dbSNP rs138168151, ClinGen allele CA3198479.
Genomic context (GRCh38, chr5:10,264,676, plus strand): 5'-TATGCTATTTTAGGATAATCAGTGTCCTTGTATTTTTCAGATATGAAGCAACAGCATGTC[A>G]TAGAAACCTTGATTGGCAAAAAGCAACAGATATCTCTTGCAACACAAATGGTTAGAATGA-3'
Protein context (NP_036205.1, residues 497-517): GTNDMKQQHV[Ile507Val]ETLIGKKQQI

ClinVar aggregate classification (germline): Uncertain significance. Review status: criteria provided, multiple submitters, no conflicts (2 of 4 stars). 4 submissions from 4 submitters: Uncertain significance (4). Last evaluated 2025-08-11.

Conditions:
Hereditary sensory and autonomic neuropathy with spastic paraplegia (HSNSP). Identifiers: Orphanet 139578, MedGen C1850395, MONDO:0009748, OMIM 256840.

Allele frequency attached by ClinVar (database versions not stated): ExAC 0.00012; TOPMed 0.00012; gnomAD 0.00013; gnomAD exomes 0.00016 and 0.00040; ESP Exome Variant Server 0.00031.

Submissions (4):

Labcorp Genetics (formerly Invitae), Labcorp
Classification: Uncertain significance for Hereditary sensory and autonomic neuropathy with spastic paraplegia. Last evaluated: 2025-08-11. Review status: criteria provided, single submitter. Criteria: Invitae Variant Classification Sherloc (09022015). Collection method: clinical testing. Allele origin: germline.
Comment: This sequence change replaces isoleucine, which is neutral and non-polar, with valine, which is neutral and non-polar, at codon 507 of the CCT5 protein (p.Ile507Val). This variant is present in population databases (rs138168151, gnomAD 0.03%). This variant has not been reported in the literature in individuals affected with CCT5-related conditions. ClinVar contains an entry for this variant (Variation ID: 906107). Invitae Evidence Modeling of protein sequence and biophysical properties (such as structural, functional, and spatial information, amino acid conservation, physicochemical variation, residue mobility, and thermodynamic stability) indicates that this missense variant is not expected to disrupt CCT5 protein function with a negative predictive value of 80%. In summary, the available evidence is currently insufficient to determine the role of this variant in disease. Therefore, it has been classified as a Variant of Uncertain Significance.

Blueprint Genetics
Classification: Uncertain significance. Last evaluated: 2024-09-07. Review status: criteria provided, single submitter. Criteria: ACMG Guidelines, 2015. Collection method: clinical testing. Allele origin: germline.

Ambry Genetics
Classification: Uncertain significance. Last evaluated: 2021-07-06. Review status: criteria provided, single submitter. Criteria: Ambry Variant Classification Scheme 2023. Collection method: clinical testing. Allele origin: germline.

Illumina Laboratory Services, Illumina
Classification: Uncertain significance for Hereditary sensory and autonomic neuropathy with spastic paraplegia. Last evaluated: 2018-01-13. Review status: criteria provided, single submitter. Criteria: ICSL Variant Classification Criteria 13 December 2019. Collection method: clinical testing. Allele origin: germline.